The following is an entry in ClinVar:

NM_002825.7(PTN):c.451G>T (p.Ala151Ser)

Gene: PTN (pleiotrophin; minus strand). Cytogenetic location: 7q33.
Variant type: single nucleotide variant.
Coding change: c.451G>T on transcript NM_002825.7 (MANE Select); coding-DNA position 451, G replaced by T.
Protein change: p.Ala151Ser; replaces alanine 151 with serine.
Molecular consequence: missense variant. On other transcripts: nonsense (1).
Genome position (GRCh38, 1-based): chr7:137,251,230, C>A on the plus strand (G>T on the coding strand, the complement: PTN is on the minus strand). VCF-style: chr7-137251230-C-A. GRCh37 (hg19) VCF-style: chr7-136935977-C-A.
Other names: NC_000007.13:g.136935977C>A; c.451G>T, p.Ala151Ser (NM_001321386.2); c.451G>T, p.Glu151Ter (NM_001321387.3); short protein forms A151S, E151*.
Identifiers: ClinVar variation 2658009 (VCV002658009.25), dbSNP rs61735090, ClinGen allele CA4500698.

ClinVar aggregate classification (germline): Likely benign (1 of 4 stars; one submission).

Allele frequency attached by ClinVar (database versions not stated): 1000 Genomes Project 0.00160; 1000 Genomes Project 30x 0.00187; TOPMed 0.00420; gnomAD 0.00458; ESP Exome Variant Server 0.00515; gnomAD exomes 0.00568.
gnomAD v4.1: 8,947 of 1,613,958 alleles (0.55%); highest among the groups gnomAD compares: Middle Eastern, 2.4%; 50 homozygotes.

Submissions (12):

CeGaT Center for Human Genetics Tuebingen
Classification: Likely benign. Last evaluated: 2022-12-01. Review status: criteria provided, single submitter. Criteria: CeGaT Center For Human Genetics Tuebingen Variant Classification Criteria Version 2. Collection method: clinical testing. Allele origin: germline. Affected: yes. Observed: 1 variant allele.
Comment: PTN: BS2

Dr. Peter K. Rogan Lab, Western University
No classification provided (evidence only). Condition: Familial cancer of breast. Review status: no classification provided. Collection method: in vitro. Allele origin: not applicable. Functional consequence: retained intron. Not counted in ClinVar's aggregate classification.

Dr. Peter K. Rogan Lab, Western University
No classification provided (evidence only). Condition: Thyroid cancer, nonmedullary, 1. Review status: no classification provided. Collection method: in vitro. Allele origin: not applicable. Functional consequence: retained intron. Not counted in ClinVar's aggregate classification.

Dr. Peter K. Rogan Lab, Western University
No classification provided (evidence only). Condition: Cervical cancer. Review status: no classification provided. Collection method: in vitro. Allele origin: not applicable. Functional consequence: retained intron. Not counted in ClinVar's aggregate classification.

Dr. Peter K. Rogan Lab, Western University
No classification provided (evidence only). Condition: Sarcoma. Review status: no classification provided. Collection method: in vitro. Allele origin: not applicable. Functional consequence: retained intron. Not counted in ClinVar's aggregate classification.

Dr. Peter K. Rogan Lab, Western University
No classification provided (evidence only). Condition: Sarcoma. Review status: no classification provided. Collection method: in vitro. Allele origin: not applicable. Functional consequence: retained intron. Not counted in ClinVar's aggregate classification.

Dr. Peter K. Rogan Lab, Western University
No classification provided (evidence only). Condition: Thymoma. Review status: no classification provided. Collection method: in vitro. Allele origin: not applicable. Functional consequence: skipped exon, retained intron. Not counted in ClinVar's aggregate classification.

Dr. Peter K. Rogan Lab, Western University
No classification provided (evidence only). Condition: Gastric cancer. Review status: no classification provided. Collection method: in vitro. Allele origin: not applicable. Functional consequence: retained intron. Not counted in ClinVar's aggregate classification.

Dr. Peter K. Rogan Lab, Western University
No classification provided (evidence only). Condition: Gastric cancer. Review status: no classification provided. Collection method: in vitro. Allele origin: not applicable. Functional consequence: retained intron. Not counted in ClinVar's aggregate classification.

Dr. Peter K. Rogan Lab, Western University
No classification provided (evidence only). Condition: Uterine carcinosarcoma. Review status: no classification provided. Collection method: in vitro. Allele origin: not applicable. Functional consequence: skipped exon, retained intron. Not counted in ClinVar's aggregate classification.

Dr. Peter K. Rogan Lab, Western University
No classification provided (evidence only). Condition: Nonpapillary renal cell carcinoma. Review status: no classification provided. Collection method: in vitro. Allele origin: not applicable. Functional consequence: retained intron. Not counted in ClinVar's aggregate classification.

Dr. Peter K. Rogan Lab, Western University
No classification provided (evidence only). Condition: Nonpapillary renal cell carcinoma. Review status: no classification provided. Collection method: in vitro. Allele origin: not applicable. Functional consequence: retained intron. Not counted in ClinVar's aggregate classification.